The following is an entry in ClinVar:

ClinVar aggregate classification (germline): Uncertain significance (1 of 4 stars; one submission).

Conditions:
Adams-Oliver syndrome 2 (AOS2). Identifiers: Orphanet 974, MedGen C3280182, MONDO:0013635, OMIM 614219.

gnomAD v4.1: 1 of 1,613,112 alleles (0.000062%); highest among the groups gnomAD compares: South Asian, 0.0011%; no homozygotes.

Submission:

3billion
Classification: Uncertain significance for Adams-Oliver syndrome 2. Review status: criteria provided, single submitter. Criteria: ACMG Guidelines, 2015. Collection method: clinical testing. Allele origin: unknown. Affected: yes. Observed: 1 heterozygote.
Comment: The variant is observed at an extremely low frequency in the gnomAD v2.1.1 dataset (total allele frequency: <0.001%). In silico tool predictions suggest damaging effect of the variant on gene or gene product (REVEL: 0.74; 3Cnet: 0.79). Therefore, this variant is classified as Uncertain significance according to the recommendation of ACMG/AMP guideline.

NM_020812.4(DOCK6):c.5615G>C (p.Arg1872Pro)

Gene: DOCK6 (dedicator of cytokinesis 6; minus strand). Cytogenetic location: 19p13.2.
Variant type: single nucleotide variant.
Coding change: c.5615G>C on transcript NM_020812.4 (MANE Select); coding-DNA position 5615, G replaced by C.
Protein change: p.Arg1872Pro; replaces arginine 1872 with proline.
Molecular consequence: missense variant.
Genome position (GRCh38, 1-based): chr19:11,201,962, C>G on the plus strand (G>C on the coding strand, the complement: DOCK6 is on the minus strand). VCF-style: chr19-11201962-C-G. GRCh37 (hg19) VCF-style: chr19-11312638-C-G.
Other names: c.5720G>C, p.Arg1907Pro (NM_001367830.1); short protein forms R1872P, R1907P.
Identifiers: ClinVar variation 2572425 (VCV002572425.1), dbSNP rs756208935, ClinGen allele CA9206407.
Genomic context (GRCh38, chr19:11,201,962, plus strand): 5'-CACACACGGATGCGAGTCTTGATGTAGGGGAAGGCGTGGTCGGTGCTGAGCAGCGTCTTA[C>G]GCTTGTGTTGCTCGGGCAGCTCCCCGTGTGCGCGCCCATCCGGCGTGAACGGCGTGCAGA-3'
Protein context (NP_065863.2, residues 1862-1882): AHGELPEQHK[Arg1872Pro]KTLLSTDHAF